The following is an entry in ClinVar:

ClinVar aggregate classification (germline): Uncertain significance (1 of 4 stars; one submission).

Submission:

Labcorp Genetics (formerly Invitae), Labcorp
Classification: Uncertain significance. Last evaluated: 2024-09-06. Review status: criteria provided, single submitter. Criteria: Invitae Variant Classification Sherloc (09022015). Collection method: clinical testing. Allele origin: germline.
Comment: This sequence change replaces methionine, which is neutral and non-polar, with isoleucine, which is neutral and non-polar, at codon 210 of the FBXO11 protein (p.Met210Ile). This variant is not present in population databases (gnomAD no frequency). This variant has not been reported in the literature in individuals affected with FBXO11-related conditions. ClinVar contains an entry for this variant (Variation ID: 1388741). An algorithm developed to predict the effect of missense changes on protein structure and function (PolyPhen-2) suggests that this variant is likely to be tolerated. In summary, the available evidence is currently insufficient to determine the role of this variant in disease. Therefore, it has been classified as a Variant of Uncertain Significance.

NM_001190274.2(FBXO11):c.630G>A (p.Met210Ile)

Gene: FBXO11 (F-box protein 11; minus strand). Cytogenetic location: 2p16.3.
Variant type: single nucleotide variant.
Coding change: c.630G>A on transcript NM_001190274.2 (MANE Select); coding-DNA position 630, G replaced by A.
Protein change: p.Met210Ile; replaces methionine 210 with isoleucine.
Molecular consequence: missense variant.
Genome position (GRCh38, 1-based): chr2:47,835,959, C>T on the plus strand (G>A on the coding strand, the complement: FBXO11 is on the minus strand). VCF-style: chr2-47835959-C-T. GRCh37 (hg19) VCF-style: chr2-48063098-C-T.
Other names: c.378G>A, p.Met126Ile (NM_001374325.1, NM_025133.4); short protein forms M126I, M210I.
Identifiers: ClinVar variation 1388741 (VCV001388741.6), dbSNP rs1672529513, ClinGen allele CA346812347.